The following is an entry in ClinVar:

NM_001394062.1(MACF1):c.13780A>G (p.Met4594Val)

Gene: MACF1 (microtubule actin crosslinking factor 1; plus strand). Cytogenetic location: 1p34.3.
Variant type: single nucleotide variant.
Coding change: c.13780A>G on transcript NM_001394062.1 (MANE Select); coding-DNA position 13780, A replaced by G.
Protein change: p.Met4594Val; replaces methionine 4594 with valine.
Molecular consequence: missense variant.
Genome position (GRCh38, 1-based): chr1:39,382,084, A>G. VCF-style: chr1-39382084-A-G. GRCh37 (hg19) VCF-style: chr1-39847756-A-G.
Other names: c.7594A>G, p.Met2532Val (NM_012090.5); short protein forms M2532V, M4594V.
Identifiers: ClinVar variation 2507135 (VCV002507135.1), dbSNP rs2148558317, ClinGen allele CA339832793.
Genomic context (GRCh38, chr1:39,382,084, plus strand): 5'-CTGGCCTGCTTCCAGGCTGCAGAATCCCAGCTCCGGCCGTGGCTGATGGAGAAAGAACTG[A>G]TGATGGGAGTGCTGGGGCCCCTGTCTATTGACCCCAACATGTTGAATGCACAAAAGCAAC-3'
Protein context (NP_001380991.1, residues 4584-4604): LRPWLMEKEL[Met4594Val]MGVLGPLSID

ClinVar aggregate classification (germline): Uncertain significance (1 of 4 stars; one submission).

Submission:

GeneDx
Classification: Uncertain significance. Last evaluated: 2022-12-27. Review status: criteria provided, single submitter. Criteria: GeneDx Variant Classification Process June 2021. Collection method: clinical testing. Allele origin: germline. Affected: yes.
Comment: Not observed at significant frequency in large population cohorts (gnomAD); In silico analysis supports that this missense variant has a deleterious effect on protein structure/function; Has not been previously published as pathogenic or benign to our knowledge